The following is an entry in ClinVar:

ClinVar aggregate classification (germline): Uncertain significance. Review status: criteria provided, multiple submitters, no conflicts (2 of 4 stars). 3 submissions from 3 submitters: Uncertain significance (3). Last evaluated 2024-10-03.

Conditions:
Familial melanoma. Also called: Hereditary melanoma; Hereditary cutaneous melanoma. Identifiers: Orphanet 618, MedGen C1512419, MONDO:0018961.
Hereditary cancer-predisposing syndrome. Also called: Neoplastic Syndromes, Hereditary; Tumor predisposition; Hereditary Cancer Syndrome; Hereditary neoplastic syndrome. Identifiers: Orphanet 140162, MedGen C0027672, MeSH D009386, MONDO:0015356.

Allele frequency attached by ClinVar (database versions not stated): gnomAD exomes below 0.00001.
gnomAD v4.1: 1 of 1,597,720 alleles (0.000063%); highest among the groups gnomAD compares: Admixed American, 0.0017%; no homozygotes.

Submissions (3):

Ambry Genetics
Classification: Uncertain significance for Hereditary cancer-predisposing syndrome. Last evaluated: 2024-10-03. Review status: criteria provided, single submitter. Criteria: Ambry Variant Classification Scheme 2023. Collection method: clinical testing. Allele origin: germline.
Comment: The p.M52I variant (also known as c.156G>A), located in coding exon 2 of the CDKN2A gene, results from a G to A substitution at nucleotide position 156. The methionine at codon 52 is replaced by isoleucine, an amino acid with highly similar properties. Of note, this alteration is also known as c.199G>A (p.D67N)in the p14(ARF) isoform. This amino acid position is highly conserved in available vertebrate species. In addition, the in silico prediction for this alteration is inconclusive. Based on the available evidence, the clinical significance of this variant remains unclear.

Labcorp Genetics (formerly Invitae), Labcorp
Classification: Uncertain significance for Familial melanoma. Last evaluated: 2023-02-24. Review status: criteria provided, single submitter. Criteria: Invitae Variant Classification Sherloc (09022015). Collection method: clinical testing. Allele origin: germline.
Comment: This variant is present in population databases (no rsID available, gnomAD 0.003%). This sequence change replaces methionine, which is neutral and non-polar, with isoleucine, which is neutral and non-polar, at codon 52 of the CDKN2A (p16INK4a) protein (p.Met52Ile). The CDKN2A gene encodes two different proteins, p16INK4a and p14ARF, which are translated from alternative transcripts with different open reading frames. Both transcripts have been analyzed. We report either the variant with the higher classification or default to the CDKN2A (p16INK4a) variant. This report therefore includes the details for the CDKN2A (p16INK4a) variant. This variant has not been reported in the literature in individuals affected with CDKN2A (p16INK4a)-related conditions. This variant is also known as c.199G>A (p.Asp67Asn) in the CDKN2A (p14ARF) transcript. In summary, the available evidence is currently insufficient to determine the role of this variant in disease. Therefore, it has been classified as a Variant of Uncertain Significance. An algorithm developed to predict the effect of missense changes on protein structure and function (PolyPhen-2) suggests that this variant is likely to be tolerated. ClinVar contains an entry for this variant (Variation ID: 819568).

Quest Diagnostics Nichols Institute San Juan Capistrano
Classification: Uncertain significance. Last evaluated: 2023-01-10. Review status: criteria provided, single submitter. Criteria: Quest Diagnostics criteria. Collection method: clinical testing. Allele origin: unknown.
Comment: This variant is also known as c.199G>A (p.Asp67Asn) in an alternate transcript of the CDKN2A gene (p14ARF, NM_058195.3). The variant has not been reported in the published literature. The frequency of this variant in the general population, 0.0000045 (1/220622 chromosomes), is uninformative in assessment of its pathogenicity. Analysis of this variant using bioinformatics tools for the prediction of the effect of amino acid changes on protein structure and function yielded conflicting predictions that this variant is benign or damaging. Based on the available information, we are unable to determine the clinical significance of this variant.

NM_000077.5(CDKN2A):c.156G>A (p.Met52Ile)

Gene: CDKN2A (cyclin dependent kinase inhibitor 2A; minus strand). Cytogenetic location: 9p21.3.
Variant type: single nucleotide variant.
Coding change: c.156G>A on transcript NM_000077.5; coding-DNA position 156, G replaced by A.
Protein change: p.Met52Ile; replaces methionine 52 with isoleucine.
Molecular consequence: missense variant (on NM_000077.6). On other transcripts: initiator codon variant (1), 3 prime UTR variant (1).
Genome position (GRCh38, 1-based): chr9:21,971,203, C>T on the plus strand (G>A on the coding strand, the complement: CDKN2A is on the minus strand). VCF-style: chr9-21971203-C-T. GRCh37 (hg19) VCF-style: chr9-21971202-C-T.
Other names: c.156G>A, p.Met52Ile (NM_000077.6, NM_001195132.2); c.3G>A, p.Met1Ile (NM_001363763.2); c.199G>A, p.Asp67Asn (NM_058195.4); c.*79G>A (NM_058197.5); short protein forms D67N, M52I, M1I.
Identifiers: ClinVar variation 819568 (VCV000819568.14), dbSNP rs1377159790, ClinGen allele CA373086449.